The following is an entry in ClinVar:

NM_000138.5(FBN1):c.1299dup (p.Tyr434fs)

Gene: FBN1 (fibrillin 1; minus strand). Cytogenetic location: 15q21.1.
Variant type: Duplication.
Coding change: c.1299dup on transcript NM_000138.5 (MANE Select); coding-DNA position 1299, one base duplicated (A; older notation c.1299dupA).
Protein change: p.Tyr434fs; shifts the reading frame from tyrosine 434.
Molecular consequence: frameshift variant.
Genome position (GRCh38, 1-based): chr15:48,516,211, T duplicated on the plus strand (A on the coding strand, the reverse complement: FBN1 is on the minus strand); the first of 2 consecutive T bases (chr15:48,516,211-48,516,212); duplicating either gives the same sequence. VCF-style (leftmost placement, unchanged base first): chr15-48516210-A-AT. GRCh37 (hg19) VCF-style: chr15-48808407-A-AT.
Other names: c.1299dup (NM_000138.4); c.1299dup, p.Tyr434fs (NM_001406716.1); short protein forms Y434fs.
Identifiers: ClinVar variation 1325454 (VCV001325454.2), dbSNP rs2141330877, ClinGen allele CA2573150839.
Genomic context (GRCh38, chr15:48,516,210, plus strand): 5'-AGAAAAATAACTAGATGATTTTTGAATTCTTACTTGGTGGCTCCCGAGATGGATACAGAT[A>AT]TTCCACTGGTGGTCGAGGGACCGGAATTTGAGGTCCAGGAGGAAAGCCAGGAGGAACAGG-3'

ClinVar aggregate classification (germline): Pathogenic (1 of 4 stars; one submission).

Conditions:
Marfan syndrome (MFS). Also called: Marfan syndrome type 1; Marfan's syndrome; FBN1-Related Marfan Syndrome; MARFAN SYNDROME, TYPE I; Marfan syndrome, classic. Identifiers: Orphanet 284963, Orphanet 558, MedGen C0024796, MONDO:0007947, OMIM 154700.

Submission:

Centre of Medical Genetics, University of Antwerp
Classification: Pathogenic for Marfan syndrome. Last evaluated: 2021-03-01. Review status: criteria provided, single submitter. Criteria: Submitter's publication. Collection method: research. Allele origin: unknown. Affected: yes.
Comment: PM2, PVS1, PP4